The following is an entry in ClinVar:

NM_030777.4(SLC2A10):c.4+5G>A

Gene: SLC2A10 (solute carrier family 2 member 10; plus strand). Cytogenetic location: 20q13.12.
Variant type: single nucleotide variant.
Coding change: c.4+5G>A on transcript NM_030777.4 (MANE Select); 5 bases into the intron after coding-DNA position 4, G replaced by A.
Molecular consequence: intron variant.
Genome position (GRCh38, 1-based): chr20:46,709,745, G>A. VCF-style: chr20-46709745-G-A. GRCh37 (hg19) VCF-style: chr20-45338384-G-A.
Identifiers: ClinVar variation 3776308 (VCV003776308.1).

ClinVar aggregate classification (germline): Likely pathogenic (1 of 4 stars; one submission).

Conditions:
Arterial tortuosity syndrome (ATORS). Identifiers: Orphanet 3342, MedGen C1859726, MONDO:0008818, OMIM 208050.

gnomAD v4.1: 1 of 1,547,754 alleles (0.000065%); highest among the groups gnomAD compares: Admixed American, 0.002%; no homozygotes.

Submission:

Shaine Morris Lab, Baylor College of Medicine
Classification: Likely pathogenic for Arterial tortuosity syndrome. Last evaluated: 2025-03-05. Review status: criteria provided, single submitter. Criteria: ACMG Guidelines, 2015. Collection method: clinical testing. Allele origin: paternal. Inheritance: Autosomal recessive inheritance. Affected: yes. Observed: 1 compound heterozygote.
Comment: We are submitting the variant c.4+5G>A in the SLC2A10 gene, located in intron 1, which is predicted to disrupt splicing and potentially cause promoter dysfunction. This variant has not been previously described in ClinVar, but it was previously reported in PMID 28726533. We classified this variant as likely pathogenic based on the available evidence. Supporting Evidence for Classification: We assigned the following criteria to this variant: PP3: In silico splice site prediction tools (e.g., SpliceAI Max Δ-score of 0.19) suggest that the c.4+5G>A variant may have a moderate potential to impact splicing, leading to the activation of a cryptic splice site or a loss of proper splicing. This prediction is further supported by the functional impact seen in other similar intronic variants that lead to disease phenotypes. PP4: The patient in our study, who is compound heterozygous for this variant, exhibits clinical features consistent with ATS. The clinical presentation is in line with what is typically seen in patients with ATS caused by SLC2A10 variants, supporting the pathogenic potential of this variant. PM2: The variant is absent from population databases (e.g., gnomAD), which is consistent with the rarity expected for pathogenic variants in SLC2A10-related disorders and strengthens the evidence for pathogenicity in a disorder with a low allele frequency in the general population. PM3: The patient is compound heterozygous for this variant, with another pathogenic SLC2A10 variant identified, providing additional support for the pathogenicity of this variant in the context of a known disease phenotype. PP5: The variant was previously described in the literature (PMID 28726533) in the context of Arterial Tortuosity Syndrome, adding to the body of evidence supporting its pathogenicity and providing further validation for its clinical significance. In conclusion, the c.4+5G>A variant in SLC2A10 is classified as likely pathogenic, based on the available clinical, computational, and literature evidence.

Literature cited by the submitters: PubMed 29323665; PubMed 28726533.